The following is an entry in ClinVar:

NM_019842.4(KCNQ5):c.865A>C (p.Lys289Gln)

Gene: KCNQ5 (potassium voltage-gated channel subfamily Q member 5; plus strand). Cytogenetic location: 6q13.
Variant type: single nucleotide variant.
Coding change: c.865A>C on transcript NM_019842.4 (MANE Select); coding-DNA position 865, A replaced by C.
Protein change: p.Lys289Gln; replaces lysine 289 with glutamine.
Molecular consequence: missense variant.
Genome position (GRCh38, 1-based): chr6:73,077,834, A>C. VCF-style: chr6-73077834-A-C. GRCh37 (hg19) VCF-style: chr6-73787557-A-C.
Other names: c.865A>C, p.Lys289Gln (NM_001160130.2, NM_001160132.2, NM_001160133.2 and 1 more transcripts); short protein forms K289Q.
Identifiers: ClinVar variation 4975404 (VCV004975404.1).
Genomic context (GRCh38, chr6:73,077,834, plus strand): 5'-GCTTGGTACATAGGATTTTTGGTTCTTATTTTTTCGTCTTTCCTTGTCTATCTGGTGGAA[A>C]AGGATGCCAATAAAGAGTTTTCTACATATGCAGATGCTCTCTGGTGGGGCACAGTAAGTA-3'
Protein context (NP_062816.2, residues 279-299): FSSFLVYLVE[Lys289Gln]DANKEFSTYA

ClinVar aggregate classification (germline): Uncertain significance (1 of 4 stars; one submission).

Submission:

GeneDx
Classification: Uncertain significance. Last evaluated: 2026-01-31. Review status: criteria provided, single submitter. Criteria: GeneDx Variant Classification Process June 2021. Collection method: clinical testing. Allele origin: germline.
Comment: Not observed at significant frequency in large population cohorts (gnomAD); In silico analysis supports that this missense variant has a deleterious effect on protein structure/function; Has not been previously published as pathogenic or benign to our knowledge